The following is an entry in ClinVar:

ClinVar aggregate classification (germline): Pathogenic (1 of 4 stars; one submission).

Submission:

Labcorp Genetics (formerly Invitae), Labcorp
Classification: Pathogenic. Last evaluated: 2020-03-31. Review status: criteria provided, single submitter. Criteria: Invitae Variant Classification Sherloc (09022015). Collection method: clinical testing. Allele origin: germline.
Comment: This sequence change creates a premature translational stop signal (p.Phe4514Leufs*4) in the ADGRV1 gene. It is expected to result in an absent or disrupted protein product. This variant is not present in population databases (ExAC no frequency). This variant has not been reported in the literature in individuals with ADGRV1-related conditions. Loss-of-function variants in ADGRV1 are known to be pathogenic (PMID: 19357117, 22135276, 22147658). For these reasons, this variant has been classified as Pathogenic.

Literature cited by the submitters: PubMed 19357117; PubMed 22135276; PubMed 22147658.

NM_032119.4(ADGRV1):c.13536del (p.Phe4514fs)

Gene: ADGRV1 (adhesion G protein-coupled receptor V1; plus strand). Cytogenetic location: 5q14.3.
Variant type: Deletion.
Coding change: c.13536del on transcript NM_032119.4 (MANE Select); coding-DNA position 13536, one base deleted (T; older notation c.13536delT).
Protein change: p.Phe4514fs; shifts the reading frame from phenylalanine 4514.
Molecular consequence: frameshift variant. On other transcripts: non-coding transcript variant (1).
Genome position (GRCh38, 1-based): chr5:90,783,940, T deleted. VCF-style (leftmost placement, unchanged base first): chr5-90783939-CT-C. GRCh37 (hg19) VCF-style: chr5-90079756-CT-C.
Other names: short protein forms F4514fs.
Identifiers: ClinVar variation 848306 (VCV000848306.7), dbSNP rs1759142678, ClinGen allele CA916082741.